The following is an entry in ClinVar:

ClinVar aggregate classification (germline): Uncertain significance (1 of 4 stars; one submission).

Conditions:
POLD1-related polyposis and colorectal cancer syndrome (CRCS10). Also called: Colorectal cancer 10; COLORECTAL CANCER, SUSCEPTIBILITY TO, ON CHROMOSOME 19q; Colorectal cancer, susceptibility to, 10. Identifiers: Orphanet 220460, MedGen C2675481, MONDO:0012953, OMIM 612591.

Submission:

Labcorp Genetics (formerly Invitae), Labcorp
Classification: Uncertain significance for POLD1-related polyposis and colorectal cancer syndrome. Last evaluated: 2024-08-21. Review status: criteria provided, single submitter. Criteria: Invitae Variant Classification Sherloc (09022015). Collection method: clinical testing. Allele origin: germline.
Comment: This sequence change replaces serine, which is neutral and polar, with arginine, which is basic and polar, at codon 805 of the POLD1 protein (p.Ser805Arg). This variant is not present in population databases (gnomAD no frequency). This variant has not been reported in the literature in individuals affected with POLD1-related conditions. Invitae Evidence Modeling of protein sequence and biophysical properties (such as structural, functional, and spatial information, amino acid conservation, physicochemical variation, residue mobility, and thermodynamic stability) has been performed for this missense variant. However, the output from this modeling did not meet the statistical confidence thresholds required to predict the impact of this variant on POLD1 protein function. Algorithms developed to predict the effect of sequence changes on RNA splicing suggest that this variant may disrupt the consensus splice site. In summary, the available evidence is currently insufficient to determine the role of this variant in disease. Therefore, it has been classified as a Variant of Uncertain Significance.

NM_002691.4(POLD1):c.2415C>G (p.Ser805Arg)

Gene: POLD1 (DNA polymerase delta 1, catalytic subunit; plus strand). Cytogenetic location: 19q13.33.
Variant type: single nucleotide variant.
Coding change: c.2415C>G on transcript NM_002691.4 (MANE Select); coding-DNA position 2415, C replaced by G.
Protein change: p.Ser805Arg; replaces serine 805 with arginine.
Molecular consequence: missense variant. On other transcripts: non-coding transcript variant (1).
Genome position (GRCh38, 1-based): chr19:50,414,841, C>G. VCF-style: chr19-50414841-C-G. GRCh37 (hg19) VCF-style: chr19-50918098-C-G.
Other names: c.2415C>G, p.Ser805Arg (NM_001256849.1); c.2493C>G, p.Ser831Arg (NM_001308632.1); short protein forms S831R, S805R.
Identifiers: ClinVar variation 3663144 (VCV003663144.2).